The following is an entry in ClinVar:

NM_001378964.1(CDON):c.3631+10G>A

Gene: CDON (cell adhesion associated, oncogene regulated; minus strand). Cytogenetic location: 11q24.2.
Variant type: single nucleotide variant.
Coding change: c.3631+10G>A on transcript NM_001378964.1 (MANE Select); 10 bases into the intron after coding-DNA position 3631, G replaced by A.
Molecular consequence: intron variant. On other transcripts: missense variant (3).
Genome position (GRCh38, 1-based): chr11:125,961,714, C>T on the plus strand (G>A on the coding strand, the complement: CDON is on the minus strand). VCF-style: chr11-125961714-C-T. GRCh37 (hg19) VCF-style: chr11-125831609-C-T.
Other names: c.3641G>A, p.Gly1214Asp (NM_001243597.3, NM_001441161.1, NM_001441162.1); c.3631+10G>A (NM_001441166.1, NM_016952.6, NM_001441164.1 and 2 more transcripts); short protein forms G1214D.
Identifiers: ClinVar variation 704873 (VCV000704873.10), dbSNP rs771408542, ClinGen allele CA6351359.

ClinVar aggregate classification (germline): Likely benign. Review status: criteria provided, multiple submitters, no conflicts (2 of 4 stars). 2 submissions from 2 submitters: Likely benign (2). Last evaluated 2026-03-01.

Conditions:
Holoprosencephaly 11 (HPE11). Identifiers: Orphanet 2162, MedGen C3280215, MONDO:0013642, OMIM 614226.

Allele frequency attached by ClinVar (database versions not stated): TOPMed 0.00001; gnomAD exomes 0.00002 and 0.00004; ExAC 0.00003.
gnomAD v4.1: 13 of 1,614,106 alleles (0.00081%); highest among the groups gnomAD compares: Admixed American, 0.018%; no homozygotes.

Submissions (2):

CeGaT Center for Human Genetics Tuebingen
Classification: Likely benign. Last evaluated: 2026-03-01. Review status: criteria provided, single submitter. Criteria: CeGaT Center For Human Genetics Tuebingen Variant Classification Criteria Version 2. Collection method: clinical testing. Allele origin: germline. Affected: yes. Observed: 1 variant allele.
Comment: CDON: BP4, BS2

Labcorp Genetics (formerly Invitae), Labcorp
Classification: Likely benign for Holoprosencephaly 11. Last evaluated: 2025-04-20. Review status: criteria provided, single submitter. Criteria: Invitae Variant Classification Sherloc (09022015). Collection method: clinical testing. Allele origin: germline.